The following is an entry in ClinVar:

ClinVar aggregate classification (germline): Uncertain significance (1 of 4 stars; one submission).

Submission:

Labcorp Genetics (formerly Invitae), Labcorp
Classification: Uncertain significance. Last evaluated: 2022-02-04. Review status: criteria provided, single submitter. Criteria: Invitae Variant Classification Sherloc (09022015). Collection method: clinical testing. Allele origin: germline.
Comment: In summary, the available evidence is currently insufficient to determine the role of this variant in disease. Therefore, it has been classified as a Variant of Uncertain Significance. Advanced modeling of protein sequence and biophysical properties (such as structural, functional, and spatial information, amino acid conservation, physicochemical variation, residue mobility, and thermodynamic stability) performed at Invitae indicates that this missense variant is not expected to disrupt BEST1 protein function. This variant has not been reported in the literature in individuals affected with BEST1-related conditions. This variant is not present in population databases (gnomAD no frequency). This sequence change replaces arginine, which is basic and polar, with proline, which is neutral and non-polar, at codon 331 of the BEST1 protein (p.Arg331Pro).

NM_004183.4(BEST1):c.992G>C (p.Arg331Pro)

Gene: BEST1 (bestrophin 1; plus strand). Cytogenetic location: 11q12.3.
Variant type: single nucleotide variant.
Coding change: c.992G>C on transcript NM_004183.4 (MANE Select); coding-DNA position 992, G replaced by C.
Protein change: p.Arg331Pro; replaces arginine 331 with proline.
Molecular consequence: missense variant. On other transcripts: non-coding transcript variant (1).
Genome position (GRCh38, 1-based): chr11:61,959,935, G>C. VCF-style: chr11-61959935-G-C. GRCh37 (hg19) VCF-style: chr11-61727407-G-C.
Other names: c.812G>C, p.Arg271Pro (NM_001139443.3, NM_001300787.2); c.731G>C, p.Arg244Pro (NM_001300786.2); c.674G>C, p.Arg225Pro (NM_001363591.3); c.1195G>C, p.Gly399Arg (NM_001363592.2); c.20G>C, p.Arg7Pro (NM_001363593.3); short protein forms R244P, R7P, R271P, G399R, R225P, R331P.
Identifiers: ClinVar variation 1346541 (VCV001346541.8), dbSNP rs201386186, ClinGen allele CA380846146.